The following is an entry in ClinVar:

ClinVar aggregate classification (germline): Uncertain significance (1 of 4 stars; one submission).

Submission:

Labcorp Genetics (formerly Invitae), Labcorp
Classification: Uncertain significance. Last evaluated: 2024-10-22. Review status: criteria provided, single submitter. Criteria: Invitae Variant Classification Sherloc (09022015). Collection method: clinical testing. Allele origin: germline.
Comment: This sequence change replaces glutamic acid, which is acidic and polar, with lysine, which is basic and polar, at codon 593 of the HELLS protein (p.Glu593Lys). This variant is not present in population databases (gnomAD no frequency). This variant has not been reported in the literature in individuals affected with HELLS-related conditions. ClinVar contains an entry for this variant (Variation ID: 1498503). An algorithm developed to predict the effect of missense changes on protein structure and function (PolyPhen-2) suggests that this variant is likely to be tolerated. In summary, the available evidence is currently insufficient to determine the role of this variant in disease. Therefore, it has been classified as a Variant of Uncertain Significance.

NM_018063.5(HELLS):c.1777G>A (p.Glu593Lys)

Gene: HELLS (helicase, lymphoid specific; plus strand). Cytogenetic location: 10q23.33.
Variant type: single nucleotide variant.
Coding change: c.1777G>A on transcript NM_018063.5 (MANE Select); coding-DNA position 1777, G replaced by A.
Protein change: p.Glu593Lys; replaces glutamic acid 593 with lysine.
Molecular consequence: missense variant.
Genome position (GRCh38, 1-based): chr10:94,592,238, G>A. VCF-style: chr10-94592238-G-A. GRCh37 (hg19) VCF-style: chr10-96351995-G-A.
Other names: c.1915G>A, p.Glu639Lys (NM_001289067.2); c.1729G>A, p.Glu577Lys (NM_001289068.2); c.1681G>A, p.Glu561Lys (NM_001289069.2); c.1483G>A, p.Glu495Lys (NM_001289070.2); c.1405G>A, p.Glu469Lys (NM_001289071.2); c.1387G>A, p.Glu463Lys (NM_001289072.2); c.1363G>A, p.Glu455Lys (NM_001289073.2); c.694G>A, p.Glu232Lys (NM_001289074.2); and 1 more; short protein forms E232K, E463K, E495K, E455K, E469K, E577K, E639K, E187K.
Identifiers: ClinVar variation 1498503 (VCV001498503.8), dbSNP rs1185790199, ClinGen allele CA377666922.